The following is an entry in ClinVar:

ClinVar aggregate classification (germline): Pathogenic (1 of 4 stars; one submission).

Submission:

Labcorp Genetics (formerly Invitae), Labcorp
Classification: Pathogenic. Last evaluated: 2024-10-28. Review status: criteria provided, single submitter. Criteria: Invitae Variant Classification Sherloc (09022015). Collection method: clinical testing. Allele origin: germline.
Comment: This sequence change creates a premature translational stop signal (p.Val911Trpfs*2) in the AEBP1 gene. It is expected to result in an absent or disrupted protein product. Loss-of-function variants in AEBP1 are known to be pathogenic (PMID: 29606302). This variant is not present in population databases (gnomAD no frequency). This variant has not been reported in the literature in individuals affected with AEBP1-related conditions. ClinVar contains an entry for this variant (Variation ID: 2004953). For these reasons, this variant has been classified as Pathogenic.

Literature cited by the submitters: PubMed 29606302.

NM_001129.5(AEBP1):c.2731del (p.Val911fs)

Gene: AEBP1 (AE binding protein 1; plus strand). Cytogenetic location: 7p13.
Variant type: Deletion.
Coding change: c.2731del on transcript NM_001129.5 (MANE Select); coding-DNA position 2731, one base deleted (G; older notation c.2731delG).
Protein change: p.Val911fs; shifts the reading frame from valine 911.
Molecular consequence: frameshift variant.
Genome position (GRCh38, 1-based): chr7:44,113,273, G deleted; the last of 5 consecutive G bases (chr7:44,113,269-44,113,273); deleting any one gives the same sequence. VCF-style (leftmost placement, unchanged base first): chr7-44113268-AG-A. GRCh37 (hg19) VCF-style: chr7-44152867-AG-A.
Other names: short protein forms V911fs.
Identifiers: ClinVar variation 2004953 (VCV002004953.4), dbSNP rs2484361735, ClinGen allele CA2578877685.